The following is an entry in ClinVar:

ClinVar aggregate classification (germline): Uncertain significance. Review status: criteria provided, multiple submitters, no conflicts (2 of 4 stars). 2 submissions from 2 submitters: Uncertain significance (2). Last evaluated 2025-05-12.

Allele frequency attached by ClinVar (database versions not stated): ESP Exome Variant Server 0.00008; gnomAD exomes 0.00008; TOPMed 0.00006; ExAC 0.00007; gnomAD 0.00007.

Submissions (2):

Labcorp Genetics (formerly Invitae), Labcorp
Classification: Uncertain significance. Last evaluated: 2025-05-12. Review status: criteria provided, single submitter. Criteria: Invitae Variant Classification Sherloc (09022015). Collection method: clinical testing. Allele origin: germline.
Comment: This sequence change replaces threonine, which is neutral and polar, with methionine, which is neutral and non-polar, at codon 78 of the ROR2 protein (p.Thr78Met). This variant is present in population databases (rs369545969, gnomAD 0.06%). This variant has not been reported in the literature in individuals affected with ROR2-related conditions. ClinVar contains an entry for this variant (Variation ID: 284398). Invitae Evidence Modeling of protein sequence and biophysical properties (such as structural, functional, and spatial information, amino acid conservation, physicochemical variation, residue mobility, and thermodynamic stability) indicates that this missense variant is not expected to disrupt ROR2 protein function with a negative predictive value of 95%. In summary, the available evidence is currently insufficient to determine the role of this variant in disease. Therefore, it has been classified as a Variant of Uncertain Significance.

Eurofins Ntd Llc (ga)
Classification: Uncertain significance. Last evaluated: 2015-10-30. Review status: criteria provided, single submitter. Criteria: EGL Classification Definitions 2015. Collection method: clinical testing. Allele origin: germline. Observed: 3 variant alleles, 3 heterozygotes.

NM_004560.4(ROR2):c.233C>T (p.Thr78Met)

Gene: ROR2 (receptor tyrosine kinase like orphan receptor 2; minus strand). Cytogenetic location: 9q22.31.
Variant type: single nucleotide variant.
Coding change: c.233C>T on transcript NM_004560.4 (MANE Select); coding-DNA position 233, C replaced by T.
Protein change: p.Thr78Met; replaces threonine 78 with methionine.
Molecular consequence: missense variant.
Genome position (GRCh38, 1-based): chr9:91,757,502, G>A on the plus strand (C>T on the coding strand, the complement: ROR2 is on the minus strand). VCF-style: chr9-91757502-G-A. GRCh37 (hg19) VCF-style: chr9-94519784-G-A.
Other names: c.233C>T, p.Thr78Met (NM_001318204.2); short protein forms T78M.
Identifiers: ClinVar variation 284398 (VCV000284398.8), dbSNP rs369545969, ClinGen allele CA5121079.